The following is an entry in ClinVar:

ClinVar aggregate classification (germline): Pathogenic (1 of 4 stars; one submission).

Conditions:
Hereditary spastic paraplegia 4. Also called: Spastic paraplegia 4, autosomal dominant; Spastic Paraplegia 4; Familial spastic paraplegia autosomal dominant 2. Identifiers: Orphanet 100985, MedGen C1866855, MONDO:0008438, OMIM 182601.

Submission:

Labcorp Genetics (formerly Invitae), Labcorp
Classification: Pathogenic for Hereditary spastic paraplegia 4. Last evaluated: 2022-06-23. Review status: criteria provided, single submitter. Criteria: Invitae Variant Classification Sherloc (09022015). Collection method: clinical testing. Allele origin: germline.
Comment: For these reasons, this variant has been classified as Pathogenic. ClinVar contains an entry for this variant (Variation ID: 1075296). This variant has not been reported in the literature in individuals affected with SPAST-related conditions. This variant is not present in population databases (gnomAD no frequency). This sequence change creates a premature translational stop signal (p.Lys502Asnfs*28) in the SPAST gene. It is expected to result in an absent or disrupted protein product. Loss-of-function variants in SPAST are known to be pathogenic (PMID: 20932283).

Literature cited by the submitters: PubMed 20932283.

NM_014946.4(SPAST):c.1506del (p.Lys502fs)

Gene: SPAST (spastin; plus strand). Cytogenetic location: 2p22.3.
Variant type: Deletion.
Coding change: c.1506del on transcript NM_014946.4 (MANE Select); coding-DNA position 1506, one base deleted (A; older notation c.1506delA).
Protein change: p.Lys502fs; shifts the reading frame from lysine 502.
Molecular consequence: frameshift variant.
Genome position (GRCh38, 1-based): chr2:32,141,916, A deleted; the last of 3 consecutive A bases (chr2:32,141,914-32,141,916); deleting any one gives the same sequence. VCF-style (leftmost placement, unchanged base first): chr2-32141913-CA-C. GRCh37 (hg19) VCF-style: chr2-32366982-CA-C.
Other names: c.1503del, p.Lys501fs (NM_001363823.2); c.1407del, p.Lys469fs (NM_001363875.2); c.1410del, p.Lys470fs (NM_001377959.1, NM_199436.2); short protein forms K469fs, K470fs, K501fs, K502fs.
Identifiers: ClinVar variation 1075296 (VCV001075296.7), dbSNP rs2148758252, ClinGen allele CA2499215912.